The following is an entry in ClinVar:

ClinVar aggregate classification (germline): Pathogenic/Likely pathogenic. Review status: criteria provided, multiple submitters, no conflicts (2 of 4 stars). 6 submissions from 6 submitters: Pathogenic (2); Likely pathogenic (2). 2 of the submissions do not count toward it. Last evaluated 2025-12-03.

Conditions:
Anauxetic dysplasia. Identifiers: Orphanet 93347, MedGen C1846796, MONDO:0011773.
RMRP-related disorder. Also called: RMRP-related condition.
Anauxetic dysplasia 1 (ANXD1). Also called: Anauxetic Dysplasia (AD). Identifiers: Orphanet 93347, MedGen C4551965, MONDO:0054560, OMIM 607095.
Metaphyseal chondrodysplasia, McKusick type (CHH). Also called: Cartilage-Hair Hypoplasia (CHH); Cartilage-hair hypoplasia. Identifiers: Orphanet 175, MedGen C0220748, MONDO:0009595, OMIM 250250.
Metaphyseal dysplasia without hypotrichosis. Also called: CARTILAGE-HAIR HYPOPLASIA VARIANT, SKELETAL MANIFESTATIONS ONLY; CARTILAGE-HAIR HYPOPLASIA-LIKE SKELETAL DYSPLASIA WITHOUT HYPOTRICHOSIS OR IMMUNODEFICIENCY; Metaphyseal Dysplasia without Hypotrichosis (MDWH). Identifiers: MedGen C1834821, MONDO:0009601, OMIM 250460.

Allele frequency attached by ClinVar (database versions not stated): gnomAD exomes 0.00010 and 0.00007; ExAC 0.00012; gnomAD 0.00007.

Submissions (6):

Labcorp Genetics (formerly Invitae), Labcorp
Classification: Pathogenic for Anauxetic dysplasia. Last evaluated: 2025-12-03. Review status: criteria provided, single submitter. Criteria: Invitae Variant Classification Sherloc (09022015). Collection method: clinical testing. Allele origin: germline.
Comment: This variant occurs in the RMRP gene, which encodes an RNA molecule that does not result in a protein product. This variant is present in population databases (rs727502775, gnomAD 0.02%). This variant has been observed in individuals with RMRP-related conditions (PMID: 11207361, 16254002, 28094436). Other insertions and duplications immediately upstream of the coding sequence have been reported in individuals affected with cartilage-hair hypoplasia-anauxetic dysplasia (CHH-AD) spectrum disorders (PMID: 16244706, 11207361, 12107819). This variant is also known as n.-23_-14dup. While functional studies for this variant have not been reported, experimental analyses using patient derived cells, as well as in vitro transfection studies, have shown that promoter insertions result in silencing of RMRP transcription and reduced expression of the gene product (PMID: 11207361, 16254002). For these reasons, this variant has been classified as Pathogenic.

Natera, Inc.
Classification: Likely pathogenic for Cartilage-hair hypoplasia. Last evaluated: 2025-08-21. Review status: criteria provided, single submitter. Criteria: Natera Variant Classification Schema (03/2026). Collection method: clinical testing. Allele origin: germline.
Comment: The n.-22_-13dupTACTCTGTGA variant in RMRP is a duplication affecting the RMRP promoter region between the TATA box and the transcription initiation site. Other duplications and insertions just upstream of the transcription initiation site have been reported in individuals affected with cartilage-hair hypoplasia (PMID: 11207361, 17937437). This variant is rare in the general population with a frequency below the threshold expected for the associated phenotype(s). This variant has been observed in one or more individuals affected with the associated recessive disease, as either homozygous or compound heterozygous with a second variant (PMID: 11207361, 16244706, 16254002, 28094436). Given the available evidence, this variant is classified as Likely Pathogenic.

Blueprint Genetics
Classification: Pathogenic for RMRP-related disorders. Last evaluated: 2023-11-16. Review status: criteria provided, single submitter. Criteria: ACMG Guidelines, 2015. Collection method: clinical testing. Allele origin: germline. Affected: yes. Observed: 5 variant alleles.

Fulgent Genetics
Classification: Likely pathogenic for Metaphyseal chondrodysplasia, McKusick type; Metaphyseal dysplasia without hypotrichosis; Anauxetic dysplasia 1. Last evaluated: 2022-05-03. Review status: criteria provided, single submitter. Criteria: ACMG Guidelines, 2015. Collection method: clinical testing. Allele origin: unknown.

Counsyl
Classification: Likely pathogenic for Metaphyseal chondrodysplasia, McKusick type. Last evaluated: 2017-04-04. Review status: no assertion criteria provided. Collection method: clinical testing. Allele origin: unknown. Not counted in ClinVar's aggregate classification.

OMIM
Classification: Pathogenic for CARTILAGE-HAIR HYPOPLASIA. Last evaluated: 2001-01-26. Review status: no assertion criteria provided. Collection method: literature only. Allele origin: germline. Not counted in ClinVar's aggregate classification.

Literature cited by the submitters: PubMed 11207361 (cited by 4 submitters); PubMed 16254002 (cited by 3 submitters); PubMed 28094436 (cited by 3 submitters); PubMed 16244706 (cited by 3 submitters); PubMed 12107819 (cited by Labcorp Genetics (formerly Invitae), Labcorp); PubMed 17937437 (cited by Natera, Inc.).

NR_003051.3(RMRP):n.-22_-13dupTACTCTGTGA

Gene: RMRP (RNA component of mitochondrial RNA processing endoribonuclease; minus strand). Cytogenetic location: 9p13.3.
Variant type: Duplication.
Genome position: GRCh38 VCF-style: chr9-35658030-T-TTCACAGAGTA. GRCh37 (hg19) VCF-style: chr9-35658027-T-TTCACAGAGTA.
Identifiers: ClinVar variation 14210 (VCV000014210.18), dbSNP rs1554651507, ClinGen allele CA257182.
Genomic context (GRCh38, chr9:35,658,030, plus strand): 5'-AACAGAGTCCTCAGTGTGTAGCCTAGGATACAGGCCTTCAGCACGAACCACGTCCTCAGC[T>TTCACAGAGTA]TCACAGAGTAGTATTTTATAGCCCTAAAGAAATTGTGTTTTATGATTAGGGTGAGAAAGT-3'